The following is an entry in ClinVar:

NM_001256789.3(CACNA1F):c.3303G>C (p.Glu1101Asp)

Gene: CACNA1F (calcium voltage-gated channel subunit alpha1 F; minus strand). Cytogenetic location: Xp11.23.
Variant type: single nucleotide variant.
Coding change: c.3303G>C on transcript NM_001256789.3 (MANE Select); coding-DNA position 3303, G replaced by C.
Protein change: p.Glu1101Asp; replaces glutamic acid 1101 with aspartic acid.
Molecular consequence: missense variant.
Genome position (GRCh38, 1-based): chrX:49,215,477, C>G on the plus strand (G>C on the coding strand, the complement: CACNA1F is on the minus strand). VCF-style: chrX-49215477-C-G. GRCh37 (hg19) VCF-style: chrX-49071937-C-G.
Other names: c.3141G>C, p.Glu1047Asp (NM_001256790.3); c.3336G>C, p.Glu1112Asp (NM_005183.4); short protein forms E1101D, E1047D, E1112D.
Identifiers: ClinVar variation 2124341 (VCV002124341.4), dbSNP rs782539417, ClinGen allele CA412963691.

ClinVar aggregate classification (germline): Uncertain significance (1 of 4 stars; one submission).

gnomAD v4.1: 1 of 1,206,633 alleles (0.000083%); highest among the groups gnomAD compares: East Asian, 0.003%; no homozygotes.

Submission:

Labcorp Genetics (formerly Invitae), Labcorp
Classification: Uncertain significance. Last evaluated: 2022-04-10. Review status: criteria provided, single submitter. Criteria: Invitae Variant Classification Sherloc (09022015). Collection method: clinical testing. Allele origin: germline.
Comment: This sequence change replaces glutamic acid, which is acidic and polar, with aspartic acid, which is acidic and polar, at codon 1112 of the CACNA1F protein (p.Glu1112Asp). This variant is not present in population databases (gnomAD no frequency). This variant has not been reported in the literature in individuals affected with CACNA1F-related conditions. Algorithms developed to predict the effect of missense changes on protein structure and function are either unavailable or do not agree on the potential impact of this missense change (SIFT: "Tolerated"; PolyPhen-2: "Possibly Damaging"; Align-GVGD: "Class C0"). In summary, the available evidence is currently insufficient to determine the role of this variant in disease. Therefore, it has been classified as a Variant of Uncertain Significance.